The following is an entry in ClinVar:

NM_001164508.2(NEB):c.21313-1G>C

Genes: NEB (nebulin; minus strand), RIF1 (replication timing regulatory factor 1; plus strand). Cytogenetic location: 2q23.3.
Variant type: single nucleotide variant.
Coding change: c.21313-1G>C on transcript NM_001164508.2 (MANE Select); the canonical splice acceptor site of the intron before coding-DNA position 21313, G replaced by C.
Molecular consequence: splice acceptor variant. On other transcripts: intron variant (2).
Genome position (GRCh38, 1-based): chr2:151,533,547, C>G on the plus strand (G>C on the coding strand, the complement: NEB is on the minus strand). VCF-style: chr2-151533547-C-G. GRCh37 (hg19) VCF-style: chr2-152390061-C-G.
Other names: c.16314+668G>C (NM_004543.5); c.21417+668G>C (NM_001164507.2); c.21418-1G>C (NM_001271208.2).
Identifiers: ClinVar variation 1515345 (VCV001515345.6), dbSNP rs2153515796, ClinGen allele CA348771989.

ClinVar aggregate classification (germline): Likely pathogenic (1 of 4 stars; one submission).

Conditions:
Nemaline myopathy 2 (NEM2). Also called: Nemaline myopathy 2, autosomal recessive. Identifiers: MedGen C1850569, MONDO:0009725, OMIM 256030.

Submission:

Labcorp Genetics (formerly Invitae), Labcorp
Classification: Likely pathogenic for Nemaline myopathy 2. Last evaluated: 2021-10-01. Review status: criteria provided, single submitter. Criteria: Invitae Variant Classification Sherloc (09022015). Collection method: clinical testing. Allele origin: germline.
Comment: In summary, the currently available evidence indicates that the variant is pathogenic, but additional data are needed to prove that conclusively. Therefore, this variant has been classified as Likely Pathogenic. Algorithms developed to predict the effect of sequence changes on RNA splicing suggest that this variant may disrupt the consensus splice site. This variant has not been reported in the literature in individuals affected with NEB-related conditions. This variant is not present in population databases (ExAC no frequency). This sequence change affects an acceptor splice site in intron 143 of the NEB gene. It is expected to disrupt RNA splicing. Variants that disrupt the donor or acceptor splice site typically lead to a loss of protein function (PMID: 16199547), and loss-of-function variants in NEB are known to be pathogenic (PMID: 25205138).

Literature cited by the submitters: PubMed 16199547; PubMed 25205138.